The following is an entry in ClinVar:

NM_000138.5(FBN1):c.2167+1G>A

Gene: FBN1 (fibrillin 1; minus strand). Cytogenetic location: 15q21.1.
Variant type: single nucleotide variant.
Coding change: c.2167+1G>A on transcript NM_000138.5 (MANE Select); the canonical splice donor site of the intron after coding-DNA position 2167, G replaced by A.
Molecular consequence: splice donor variant.
Genome position (GRCh38, 1-based): chr15:48,498,984, C>T on the plus strand (G>A on the coding strand, the complement: FBN1 is on the minus strand). VCF-style: chr15-48498984-C-T. GRCh37 (hg19) VCF-style: chr15-48791181-C-T.
Other names: c.2167+1G>A (NM_001406716.1).
Identifiers: ClinVar variation 1458532 (VCV001458532.8), dbSNP rs2141308781, ClinGen allele CA392336115.

ClinVar aggregate classification (germline): Pathogenic (1 of 4 stars; one submission).

Conditions:
Marfan syndrome (MFS). Also called: MARFAN SYNDROME, TYPE I; Marfan syndrome type 1; Marfan's syndrome; Marfan syndrome, classic; FBN1-Related Marfan Syndrome. Identifiers: Orphanet 284963, Orphanet 558, MedGen C0024796, MONDO:0007947, OMIM 154700.
Familial thoracic aortic aneurysm and aortic dissection (TAAD). Also called: Thoracic aortic aneurysms and dissections. Identifiers: Orphanet 91387, MedGen C4707243, MONDO:0019625.

Submission:

Labcorp Genetics (formerly Invitae), Labcorp
Classification: Pathogenic for Marfan syndrome; Familial thoracic aortic aneurysm and aortic dissection. Last evaluated: 2024-03-20. Review status: criteria provided, single submitter. Criteria: Invitae Variant Classification Sherloc (09022015). Collection method: clinical testing. Allele origin: germline.
Comment: This sequence change affects a donor splice site in intron 18 of the FBN1 gene. It is expected to disrupt RNA splicing. Variants that disrupt the donor or acceptor splice site typically lead to a loss of protein function (PMID: 16199547), and loss-of-function variants in FBN1 are known to be pathogenic (PMID: 17657824, 19293843). This variant is not present in population databases (gnomAD no frequency). Disruption of this splice site has been observed in individuals with Marfan syndrome (PMID: 24698609, 25101912). ClinVar contains an entry for this variant (Variation ID: 1458532). Algorithms developed to predict the effect of sequence changes on RNA splicing suggest that this variant may disrupt the consensus splice site. For these reasons, this variant has been classified as Pathogenic.

Literature cited by the submitters: PubMed 16199547; PubMed 17657824; PubMed 19293843; PubMed 24698609; PubMed 25101912.